The following is an entry in ClinVar:

ClinVar aggregate classification (germline): Uncertain significance. Review status: criteria provided, multiple submitters, no conflicts (2 of 4 stars). 2 submissions from 2 submitters: Uncertain significance (2). Last evaluated 2026-07-07.

Conditions:
Hereditary cancer-predisposing syndrome. Also called: Tumor predisposition; Hereditary Cancer Syndrome; Hereditary neoplastic syndrome; Neoplastic Syndromes, Hereditary. Identifiers: Orphanet 140162, MedGen C0027672, MeSH D009386, MONDO:0015356.
Microcephaly, normal intelligence and immunodeficiency (NBS). Also called: IMMUNODEFICIENCY, MICROCEPHALY, AND CHROMOSOMAL INSTABILITY; SEEMANOVA SYNDROME II; Immunodeficiency, microcephaly with normal intelligence; Ataxia telangiectasia variant V1; Nijmegen breakage syndrome; Microcephaly with normal intelligence immunodeficiency and lymphoreticular malignancies. Identifiers: Orphanet 647, MedGen C0398791, MONDO:0009623, OMIM 251260.

Submissions (2):

Ambry Genetics
Classification: Uncertain significance for Hereditary cancer-predisposing syndrome. Last evaluated: 2026-07-07. Review status: criteria provided, single submitter. Criteria: Ambry Variant Classification Scheme 2023. Collection method: clinical testing. Allele origin: germline.
Comment: The p.E307A variant (also known as c.920A>C), located in coding exon 8 of the NBN gene, results from an A to C substitution at nucleotide position 920. The glutamic acid at codon 307 is replaced by alanine, an amino acid with dissimilar properties. This amino acid position is conserved. In addition, the in silico prediction for this alteration is inconclusive. Based on the available evidence, the clinical significance of this variant remains unclear.

Labcorp Genetics (formerly Invitae), Labcorp
Classification: Uncertain significance for Microcephaly, normal intelligence and immunodeficiency. Last evaluated: 2022-10-12. Review status: criteria provided, single submitter. Criteria: Invitae Variant Classification Sherloc (09022015). Collection method: clinical testing. Allele origin: germline.
Comment: Algorithms developed to predict the effect of missense changes on protein structure and function are either unavailable or do not agree on the potential impact of this missense change (SIFT: "Deleterious"; PolyPhen-2: "Probably Damaging"; Align-GVGD: "Class C0"). In summary, the available evidence is currently insufficient to determine the role of this variant in disease. Therefore, it has been classified as a Variant of Uncertain Significance. This variant has not been reported in the literature in individuals affected with NBN-related conditions. This variant is not present in population databases (gnomAD no frequency). This sequence change replaces glutamic acid, which is acidic and polar, with alanine, which is neutral and non-polar, at codon 307 of the NBN protein (p.Glu307Ala).

NM_002485.5(NBN):c.920A>C (p.Glu307Ala)

Gene: NBN (nibrin; minus strand). Cytogenetic location: 8q21.3.
Variant type: single nucleotide variant.
Coding change: c.920A>C on transcript NM_002485.5 (MANE Select); coding-DNA position 920, A replaced by C.
Protein change: p.Glu307Ala; replaces glutamic acid 307 with alanine.
Molecular consequence: missense variant.
Genome position (GRCh38, 1-based): chr8:89,964,484, T>G on the plus strand (A>C on the coding strand, the complement: NBN is on the minus strand). VCF-style: chr8-89964484-T-G. GRCh37 (hg19) VCF-style: chr8-90976712-T-G.
Other names: c.674A>C, p.Glu225Ala (NM_001024688.3); short protein forms E225A, E307A.
Identifiers: ClinVar variation 2162792 (VCV002162792.5), dbSNP rs2129786912, ClinGen allele CA371657087.
Genomic context (GRCh38, chr8:89,964,484, plus strand): 5'-CCCTGAGGATCACAGTAATTCTTTGTAGTCATGAAAATCACCGCCAATCCAATTTCTGCT[T>G]CAGGAATAGGTCTAAGACCTTGCCTATTAGAATAAAATAGTTTAAGTATGATAATATATT-3'
Protein context (NP_002476.2, residues 297-317): LQRQGLRPIP[Glu307Ala]AEIGLAVIFM